The following is an entry in ClinVar:

ClinVar aggregate classification (germline): Conflicting classifications of pathogenicity. Review status: criteria provided, conflicting classifications (1 of 4 stars). 10 submissions from 10 submitters: Uncertain significance (1); Likely benign (7). 2 of the submissions do not count toward it. Last evaluated 2026-09-01.

Conditions:
Inborn genetic diseases. Identifiers: MedGen C0950123, MeSH D030342.
MYO5A-related disorder. Also called: MYO5A-related condition.
Intellectual disability. Also called: intellectual disabilities; Intellectual functioning disability; Intellectual developmental disorder. Identifiers: MedGen C3714756, MeSH D008607, MONDO:0001071, HP:0001249.
Griscelli syndrome type 1 (GS1). Also called: PARTIAL ALBINISM AND PRIMARY NEUROLOGIC DISEASE WITHOUT HEMOPHAGOCYTIC SYNDROME; GRISCELLI SYNDROME WITH NEUROLOGIC IMPAIRMENT; GRISCELLI SYNDROME, CUTANEOUS AND NEUROLOGIC TYPE. Identifiers: Orphanet 381, Orphanet 79476, MedGen C1859194, MONDO:0008962, OMIM 214450.

Allele frequency attached by ClinVar (database versions not stated): 1000 Genomes Project 30x 0.00016; 1000 Genomes Project 0.00020; ESP Exome Variant Server 0.00089; TOPMed 0.00094; gnomAD 0.00098 and 0.00099; gnomAD exomes 0.00103 and 0.00159; ExAC 0.00105.
gnomAD v4.1: 2,506 of 1,613,794 alleles (0.16%); highest among the groups gnomAD compares: Middle Eastern, 0.33%; 2 homozygotes.

Submissions (10):

CeGaT Center for Human Genetics Tuebingen
Classification: Likely benign. Last evaluated: 2026-09-01. Review status: criteria provided, single submitter. Criteria: CeGaT Center For Human Genetics Tuebingen Variant Classification Criteria Version 2. Collection method: clinical testing. Allele origin: germline. Affected: yes. Observed: 11 variant alleles.
Comment: MYO5A: BP4

Labcorp Genetics (formerly Invitae), Labcorp
Classification: Likely benign. Last evaluated: 2026-01-15. Review status: criteria provided, single submitter. Criteria: Invitae Variant Classification Sherloc (09022015). Collection method: clinical testing. Allele origin: germline.

PreventionGenetics, part of Exact Sciences
Classification: Likely benign for MYO5A-related condition. Last evaluated: 2025-11-07. Review status: criteria provided, single submitter. Criteria: ACMG Guidelines, 2015. Collection method: clinical testing. Allele origin: germline.
Comment: This variant is classified as likely benign based on ACMG/AMP sequence variant interpretation guidelines (Richards et al. 2015 PMID: 25741868, with internal and published modifications).

Blueprint Genetics
Classification: Likely benign. Last evaluated: 2024-11-26. Review status: criteria provided, single submitter. Criteria: ACMG Guidelines, 2015. Collection method: clinical testing. Allele origin: germline.

Ambry Genetics
Classification: Likely benign for Inborn genetic diseases. Last evaluated: 2022-05-13. Review status: criteria provided, single submitter. Criteria: Ambry Variant Classification Scheme 2023. Collection method: clinical testing. Allele origin: germline.

Dubai Health Genomic Medicine Center, Dubai Health
Classification: Likely benign for Griscelli syndrome type 1. Last evaluated: 2020-12-10. Review status: criteria provided, single submitter. Criteria: ACMG Guidelines, 2015. Collection method: clinical testing. Allele origin: germline. Affected: yes.

GeneDx
Classification: Likely benign. Last evaluated: 2018-08-09. Review status: criteria provided, single submitter. Criteria: GeneDx Variant Classification Process June 2021. Collection method: clinical testing. Allele origin: germline. Affected: yes.
Comment: See Variant Classification Assertion Criteria.

Genetic Services Laboratory, University of Chicago
Classification: Uncertain significance. Last evaluated: 2015-08-12. Review status: criteria provided, single submitter. Criteria: ACMG Guidelines, 2015. Collection method: clinical testing. Allele origin: germline. Affected: no.

Centre de Biologie Pathologie Génétique, Centre Hospitalier Universitaire de Lille
Classification: Likely benign for Intellectual disability. Last evaluated: 2019-01-01. Review status: no assertion criteria provided. Collection method: clinical testing. Allele origin: inherited. Affected: yes. Not counted in ClinVar's aggregate classification.

Department of Pathology and Laboratory Medicine, Sinai Health System
Classification: Likely benign. Review status: no assertion criteria provided. Collection method: clinical testing. Allele origin: unknown. Affected: yes. Study: The Canadian Open Genetics Repository (COGR). Not counted in ClinVar's aggregate classification.
Comment: The MYO5A p.Val1046Met variant was not identified in the literature nor was it identified in Cosmic. The variant was identified in dbSNP (ID: rs56132571), ClinVar (classified as a VUS by the University of Chicago and Praxis fuer Humangenetik Tuebingen) and LOVD 3.0. The variant was identified in control databases in 280 of 280870 chromosomes at a frequency of 0.000997 increasing the likelihood this could be a low frequency benign variant (Genome Aggregation Database Feb 27, 2017). The variant was observed in the following populations: European (non-Finnish) in 212 of 128674 chromosomes (freq: 0.001648), South Asian in 43 of 30596 chromosomes (freq: 0.001405), Other in 6 of 7142 chromosomes (freq: 0.00084), Latino in 13 of 35340 chromosomes (freq: 0.000368), European (Finnish) in 3 of 25030 chromosomes (freq: 0.00012), African in 2 of 24204 chromosomes (freq: 0.000083) and East Asian in 1 of 19524 chromosomes (freq: 0.000051), while the variant was not observed in the Ashkenazi Jewish population. The p.Val1046 residue is not conserved in mammals and computational analyses (PolyPhen-2, SIFT, AlignGVGD, BLOSUM, MutationTaster) do not suggest a high likelihood of impact to the protein; however, this information is not predictive enough to rule out pathogenicity. The variant occurs outside of the splicing consensus sequence and in silico or computational prediction software programs (SpliceSiteFinder, MaxEntScan, NNSPLICE, GeneSplicer) do not predict a difference in splicing. In summary, based on the above information the clinical significance of this variant cannot be determined with certainty at this time although we would lean towards a more benign role for this variant. This variant is classified as likely benign.

NM_001382347.1(MYO5A):c.3136G>A (p.Val1046Met)

Gene: MYO5A (myosin VA; minus strand). Cytogenetic location: 15q21.2.
Variant type: single nucleotide variant.
Coding change: c.3136G>A on transcript NM_001382347.1 (MANE Select); coding-DNA position 3136, G replaced by A.
Protein change: p.Val1046Met; replaces valine 1046 with methionine.
Molecular consequence: missense variant.
Genome position (GRCh38, 1-based): chr15:52,367,055, C>T on the plus strand (G>A on the coding strand, the complement: MYO5A is on the minus strand). VCF-style: chr15-52367055-C-T. GRCh37 (hg19) VCF-style: chr15-52659252-C-T.
Other names: c.3136G>A, p.Val1046Met (NM_000259.3, NM_001142495.2); c.3208G>A, p.Val1070Met (NM_001382348.1, NM_001382349.1); short protein forms V1046M, V1070M.
Identifiers: ClinVar variation 435922 (VCV000435922.47), dbSNP rs56132571, ClinGen allele CA7568513.